The following is an entry in ClinVar:

NM_005465.7(AKT3):c.948+14C>G

Gene: AKT3 (AKT serine/threonine kinase 3; minus strand). Cytogenetic location: 1q44.
Variant type: single nucleotide variant.
Coding change: c.948+14C>G on transcript NM_005465.7 (MANE Select); 14 bases into the intron after coding-DNA position 948, C replaced by G.
Molecular consequence: intron variant.
Genome position (GRCh38, 1-based): chr1:243,563,706, G>C on the plus strand (C>G on the coding strand, the complement: AKT3 is on the minus strand). VCF-style: chr1-243563706-G-C. GRCh37 (hg19) VCF-style: chr1-243727008-G-C.
Other names: c.948+14C>G (NM_181690.2, NM_001370074.1, NM_001206729.2).
Identifiers: ClinVar variation 388027 (VCV000388027.1), dbSNP rs1057522977, ClinGen allele CA16603669.

ClinVar aggregate classification (germline): Likely benign (1 of 4 stars; one submission).

Allele frequency attached by ClinVar (database versions not stated): gnomAD exomes below 0.00001; TOPMed below 0.00001; gnomAD 0.00001.
gnomAD v4.1: 2 of 1,590,410 alleles (0.00013%); highest among the groups gnomAD compares: Non-Finnish European, 0.00017%; no homozygotes.

Submission:

GeneDx
Classification: Likely benign. Last evaluated: 2016-07-27. Review status: criteria provided, single submitter. Criteria: GeneDx Variant Classification (06012015). Collection method: clinical testing. Allele origin: germline. Affected: yes.
Comment: This variant is considered likely benign or benign based on one or more of the following criteria: it is a conservative change, it occurs at a poorly conserved position in the protein, it is predicted to be benign by multiple in silico algorithms, and/or has population frequency not consistent with disease.